The following is an entry in ClinVar:

ClinVar aggregate classification (germline): Conflicting classifications of pathogenicity. Review status: criteria provided, conflicting classifications (1 of 4 stars). 13 submissions from 13 submitters: Likely pathogenic (3); Uncertain significance (7). 3 of the submissions do not count toward it. Last evaluated 2026-09-24.

Conditions:
Monogenic hearing loss.
PCDH15-related disorder. Also called: PCDH15-related disorders; PCDH15-related condition.
Autosomal recessive nonsyndromic hearing loss 23. Identifiers: Orphanet 90636, MedGen C1836027, MONDO:0012293, OMIM 609533.
Usher syndrome type 1D (USH1D). Also called: USHER SYNDROME, TYPE ID. Identifiers: Orphanet 231169, Orphanet 886, MedGen C1832845, MONDO:0010984, OMIM 601067.
Usher syndrome type 1F (USH1F). Also called: USHER SYNDROME, TYPE IF. Identifiers: Orphanet 231169, Orphanet 886, MedGen C1865885, MONDO:0011186, OMIM 602083.

Submissions (13):

PreventionGenetics, part of Exact Sciences
Classification: Likely pathogenic for PCDH15-related condition. Last evaluated: 2026-09-24. Review status: criteria provided, single submitter. Criteria: ACMG Guidelines, 2015. Collection method: clinical testing. Allele origin: germline.
Comment: The PCDH15 c.2367_2369delTGT variant is predicted to result in an in-frame deletion (p.Val790del). This variant has been reported in the homozygous state in two siblings with nonsyndromic hearing loss (Zhan et al. 2015. PubMed ID: 25930172) and in compound heterozygous state with a likely pathogenic variant in additional individual with hearing loss (Table 3, Bi et al. 2025. PubMed ID: 40486680). This variant was also reported in hearing loss cohort, however the information about absence of presence of second variant was not provided (as p.Val719del; Table S2, Usami et al. 2021. PubMed ID: 34599366). This variant is reported in 0.015% of alleles in individuals of East Asian descent in gnomAD. This variant is interpreted as likely pathogenic.

Genetics Laboratory, Great Ormond Street Hospital NHS Foundation Trust, North Thames Genomic Laboratory Hub
Classification: Likely pathogenic for Monogenic hearing loss. Last evaluated: 2026-08-11. Review status: criteria provided, single submitter. Criteria: ACGS Best Practice Guidelines for Variant Classification in Rare Disease 2024 v1.2. Collection method: clinical testing. Allele origin: germline. Affected: yes.
Comment: PM2_moderate, PM4_supporting, PP1_moderate, PM3_supporting

GeneDx
Classification: Likely pathogenic. Last evaluated: 2026-07-01. Review status: criteria provided, single submitter. Criteria: GeneDx Variant Classification Process June 2021. Collection method: clinical testing. Allele origin: germline.
Comment: In-frame deletion of 1 amino acid in a non-repeat region; In silico analysis supports a deleterious effect on protein structure/function; This variant is associated with the following publications: (PMID: 25930172, 32835555, 34599366, 40486680, 42086625)

Labcorp Genetics (formerly Invitae), Labcorp
Classification: Uncertain significance. Last evaluated: 2025-01-13. Review status: criteria provided, single submitter. Criteria: Invitae Variant Classification Sherloc (09022015). Collection method: clinical testing. Allele origin: germline.
Comment: This variant, c.2367_2369del, results in the deletion of 1 amino acid(s) of the PCDH15 protein (p.Val790del), but otherwise preserves the integrity of the reading frame. This variant is present in population databases (rs483352837, gnomAD 0.02%). This variant has been observed in individual(s) with PCDH15-related conditions (PMID: 25930172, 32835555). ClinVar contains an entry for this variant (Variation ID: 126521). Experimental studies and prediction algorithms are not available or were not evaluated, and the functional significance of this variant is currently unknown. In summary, the available evidence is currently insufficient to determine the role of this variant in disease. Therefore, it has been classified as a Variant of Uncertain Significance.

Blueprint Genetics
Classification: Uncertain significance. Last evaluated: 2024-08-13. Review status: criteria provided, single submitter. Criteria: ACMG Guidelines, 2015. Collection method: clinical testing. Allele origin: germline.

Genomic Research Center, Shahid Beheshti University of Medical Sciences
Classification: Uncertain significance for Autosomal recessive nonsyndromic hearing loss 23. Last evaluated: 2023-12-30. Review status: criteria provided, single submitter. Criteria: ACMG Guidelines, 2015. Collection method: clinical testing. Allele origin: inherited. Affected: yes.

Broad Center for Mendelian Genomics, Broad Institute of MIT and Harvard
Classification: Uncertain significance for Usher syndrome type 1F. Last evaluated: 2023-01-24. Review status: criteria provided, single submitter. Criteria: ACMG Guidelines, 2015. Collection method: curation. Allele origin: germline. Inheritance: Autosomal recessive inheritance.
Comment: The p.Val790del variant in PCDH15 has been reported in 2 individuals with Usher syndrome type 1F (PMID: 32835555, 25930172) and has been identified in 0.02% (3/19950) of East Asian chromosomes by the Genome Aggregation Database (gnomAD; dbSNP ID: rs483352837). Although this variant has been seen in the general population in a heterozygous state, its frequency is not high enough to rule out a pathogenic role. This variant has also been reported in ClinVar (Variation ID#: 126521) and has been interpreted as pathogenic by Genomic Research Center (Shahid Beheshti University of Medical Sciences) and Institute of Otorhinolaryngology (Sun Yat-sen University) and as a variant of uncertain significance by Counsyl, Laboratory for Molecular Medicine (Mass General Brigham Personalized Medicine), Natera, Inc, and Women's Health and Genetics/Laboratory Corporation of America. Of the 2 affected individuals, 1 of those was a homozygote, which increases the likelihood that the p.Val790del variant is pathogenic (PMID: 25930172). This variant is a deletion of 1 amino acid at position 790 and is not predicted to alter the protein reading-frame. It is unclear if this deletion will impact the protein. In summary, the clinical significance of the p.Val790del variant is uncertain. ACMG/AMP Criteria applied: PM4_supporting, PM3_supporting (Richards 2015).

Women's Health and Genetics/Laboratory Corporation of America, LabCorp
Classification: Uncertain significance. Last evaluated: 2022-04-05. Review status: criteria provided, single submitter. Criteria: LabCorp Variant Classification Summary - May 2015. Collection method: clinical testing. Allele origin: germline.
Comment: Variant summary: PCDH15 c.2367_2369delTGT (p.Val790del) results in an in-frame deletion that is predicted to remove one amino acid from Cadherin-like domain (IPR002126, also known as EC7 domain (Zhan_2015)) the encoded protein. The variant allele was found at a frequency of 5.6e-05 in 251246 control chromosomes (gnomAD). This frequency is not higher than expected for a pathogenic variant in PCDH15 causing Usher Syndrome Type 1F (5.6e-05 vs 0.0032), allowing no conclusion about variant significance. c.2367_2369delTGT has been reported in the literature in one heterozygous individual affected with Usher Syndrome and one homozygous individual affected with non-syndromic hearing loss (Zhan_2015, Zheng_2020). These data indicate that the variant may be associated with disease. To our knowledge, no experimental evidence demonstrating an impact on protein function has been reported. Three ClinVar submitters (evaluation after 2014) cite the variant as uncertain significance (n=2) and pathogenic (n=1). Based on the evidence outlined above, the variant was classified as VUS-possibly pathogenic.

Laboratory for Molecular Medicine, Mass General Brigham Personalized Medicine
Classification: Uncertain significance. Last evaluated: 2020-09-10. Review status: criteria provided, single submitter. Criteria: LMM Criteria. Collection method: clinical testing. Allele origin: germline. Observed: 2 variant alleles.
Comment: Variant classified as Uncertain Significance - Favor Pathogenic. The p.Val790del variant in PCDH15 has been previously reported in the homozygous state in one individual with sensorineural hearing loss and segregated in an affected family member. However, electroretinograms were not obtained (Zhan 2015 PMID: 25930172). This variant has been reported in ClinVar (Variation ID 126521), and it also has been identified in several populations by gnomAD, with the highest frequency of 0.01% (3/19950) of East Asian European chromosomes. This variant is a deletion of a valine (Val) residue at position 790 and is not predicted to alter the protein reading-frame. It is unclear whether this deletion impacts the protein. In summary, while there is some suspicion for a pathogenic role, the clinical significance of the p.Val790del variant is uncertain. ACMG/AMP criteria applied: PM3_Supporting, PM2_Supporting, PP1, PM4_Supporting.

Juno Genomics, Hangzhou Juno Genomics, Inc
Classification: Uncertain significance for Autosomal recessive nonsyndromic hearing loss 23; Usher syndrome type 1D; Usher syndrome type 1F. Review status: criteria provided, single submitter. Criteria: ACMG Guidelines, 2015. Collection method: clinical testing. Allele origin: germline. Affected: yes.
Comment: Protein length changes due to in-frame deletions/insertions in a non-repeat region or stop-loss variants.;For recessive disorders, detected in trans with a pathogenic variant.;Absent from controls (or at extremely low frequency if recessive) in Genome Aggregation Database, Exome Sequencing Project, 1000 Genomes Project, or Exome Aggregation Consortium.

Natera, Inc.
Classification: Uncertain significance for Usher syndrome type 1F. Last evaluated: 2020-03-10. Review status: no assertion criteria provided. Collection method: clinical testing. Allele origin: germline. Not counted in ClinVar's aggregate classification.

Counsyl
Classification: Uncertain significance for Usher syndrome type 1F. Last evaluated: 2018-04-05. Review status: no assertion criteria provided. Collection method: clinical testing. Allele origin: unknown. Not counted in ClinVar's aggregate classification.

Institute of Otorhinolaryngology, The First affiliated hospital, Sun Yat-sen University
Classification: Pathogenic for Deafness, autosomal recessive 23. Review status: no assertion criteria provided. Collection method: not provided. Allele origin: biparental. Not counted in ClinVar's aggregate classification.
Comment: recessive childhood non syndromic deafness
ClinVar note: Converted during submission from pathogenic to Pathogenic.

Literature cited by the submitters: PubMed 25930172 (cited by 4 submitters); PubMed 32835555 (cited by Labcorp Genetics (formerly Invitae), Labcorp and Women's Health and Genetics/Laboratory Corporation of America, LabCorp); PubMed 28847902 (cited by Women's Health and Genetics/Laboratory Corporation of America, LabCorp).

NM_001384140.1(PCDH15):c.2361TGT[2] (p.Val790del)

Gene: PCDH15 (protocadherin related 15; minus strand). Cytogenetic location: 10q21.1.
Variant type: Microsatellite.
Coding change: c.2361TGT[2] on transcript NM_001384140.1 (MANE Select); two copies in a row of the 3-base unit TGT starting at c.2361; the reference has three copies in a row; one copy, 3 bases deleted.
Protein change: p.Val790del; deletes valine 790.
Molecular consequence: inframe deletion. On other transcripts: inframe indel (1).
Genome position (GRCh38, 1-based): chr10:54,023,049-54,023,051, ACA deleted on the plus strand (TGT on the coding strand, the reverse complement: PCDH15 is on the minus strand); deleting any 3 consecutive bases within chr10:54,023,049-54,023,058 gives the same sequence; the position shown is the placement nearest the transcript's 3' end. VCF-style (leftmost placement, unchanged base first): chr10-54023048-CACA-C. GRCh37 (hg19) VCF-style: chr10-55782808-CACA-C.
Other names: NM_001384140.1(PCDH15):c.2361TGT[2]; c.2376TGT[2], p.Val795del (NM_001142763.2, NM_001142771.2); c.2361TGT[2], p.Val790del (NM_001142764.2, NM_001142766.2, NM_001142770.3 and 5 more transcripts); c.2148TGT[2], p.Val719del (NM_001142765.2); c.2250TGT[2], p.Val753del (NM_001142767.2); c.2295TGT[2], p.Val768del (NM_001142768.2, NM_001142773.2, NM_001354404.2); c.2396_2398TTG[2], p.Val802del (NM_001142769.4); c.2382TGT[2], p.Val797del (NM_001354411.2); and 2 more; short protein forms V790del, V719del, V753del, V802del, V768del, V795del, V797del.
Identifiers: ClinVar variation 126521 (VCV000126521.26), dbSNP rs483352837, ClinGen allele CA269456.